The following is an entry in ClinVar:

NM_004990.4(MARS1):c.31G>A (p.Gly11Ser)

Genes: ARHGAP9 (Rho GTPase activating protein 9; minus strand), MARS1 (methionyl-tRNA synthetase 1; plus strand). Cytogenetic location: 12q13.3.
Variant type: single nucleotide variant.
Coding change: c.31G>A on transcript NM_004990.4 (MANE Select); coding-DNA position 31, G replaced by A.
Protein change: p.Gly11Ser; replaces glycine 11 with serine.
Molecular consequence: missense variant. On other transcripts: intron variant (1).
Genome position (GRCh38, 1-based): chr12:57,488,121, G>A. VCF-style: chr12-57488121-G-A. GRCh37 (hg19) VCF-style: chr12-57881904-G-A.
Other names: c.-204+491C>T (NM_001319850.2); short protein forms G11S.
Identifiers: ClinVar variation 1186581 (VCV001186581.9), dbSNP rs750309467, ClinGen allele CA237806095.
Genomic context (GRCh38, chr12:57,488,121, plus strand): 5'-CGGTTGCATCAGCGAGGGATTCACGGCGAAATGAGACTGTTCGTGAGTGATGGCGTCCCG[G>A]GTTGCTTGCCGGTGCTGGCCGCCGCCGGGAGAGCCCGGGGCAGAGCAGAGGTGCTCATCA-3'
Protein context (NP_004981.2, residues 1-21): MRLFVSDGVP[Gly11Ser]CLPVLAAAGR

ClinVar aggregate classification (germline): Uncertain significance. Review status: criteria provided, multiple submitters, no conflicts (2 of 4 stars). 3 submissions from 3 submitters: Uncertain significance (3). Last evaluated 2024-07-04.

Conditions:
Severe early-onset pulmonary alveolar proteinosis due to MARS deficiency. Also called: PULMONARY ALVEOLAR PROTEINOSIS, REUNION ISLAND; Interstitial lung and liver disease. Identifiers: Orphanet 440427, MedGen C4225400, MONDO:0014206, OMIM 615486.
Charcot-Marie-Tooth disease axonal type 2U. Also called: CHARCOT-MARIE-TOOTH NEUROPATHY, TYPE 2U; CHARCOT-MARIE-TOOTH DISEASE, AXONAL, AUTOSOMAL DOMINANT, TYPE 2U. Identifiers: Orphanet 397735, MedGen C4084821, MONDO:0014566, OMIM 616280.

Allele frequency attached by ClinVar (database versions not stated): TOPMed 0.00001; gnomAD 0.00002.
gnomAD v4.1: 39 of 1,614,072 alleles (0.0024%); highest among the groups gnomAD compares: Non-Finnish European, 0.0031%; no homozygotes.

Submissions (3):

Labcorp Genetics (formerly Invitae), Labcorp
Classification: Uncertain significance for Charcot-Marie-Tooth disease axonal type 2U; Severe early-onset pulmonary alveolar proteinosis due to MARS deficiency. Last evaluated: 2024-07-04. Review status: criteria provided, single submitter. Criteria: Invitae Variant Classification Sherloc (09022015). Collection method: clinical testing. Allele origin: germline.
Comment: This sequence change replaces glycine, which is neutral and non-polar, with serine, which is neutral and polar, at codon 11 of the MARS protein (p.Gly11Ser). This variant is present in population databases (rs750309467, gnomAD 0.002%). This missense change has been observed in individual(s) with hereditary spastic paraplegia (PMID: 35303589). ClinVar contains an entry for this variant (Variation ID: 1186581). An algorithm developed to predict the effect of missense changes on protein structure and function (PolyPhen-2) suggests that this variant is likely to be tolerated. In summary, the available evidence is currently insufficient to determine the role of this variant in disease. Therefore, it has been classified as a Variant of Uncertain Significance.

GeneDx
Classification: Uncertain significance. Last evaluated: 2023-07-04. Review status: criteria provided, single submitter. Criteria: GeneDx Variant Classification Process June 2021. Collection method: clinical testing. Allele origin: germline. Affected: yes.
Comment: Not observed at significant frequency in large population cohorts (gnomAD); In silico analysis supports that this missense variant does not alter protein structure/function; Identified in a patient with hereditary spastic paraplegia in published literature (Panwala et al., 2022); This variant is associated with the following publications: (PMID: 35303589)

Blueprint Genetics
Classification: Uncertain significance. Last evaluated: 2022-11-11. Review status: criteria provided, single submitter. Criteria: ACMG Guidelines, 2015. Collection method: clinical testing. Allele origin: germline.

Literature cited by the submitters: PubMed 35303589 (cited by Labcorp Genetics (formerly Invitae), Labcorp).